The following is an entry in ClinVar:

ClinVar aggregate classification (germline): Pathogenic. Review status: criteria provided, multiple submitters, no conflicts (2 of 4 stars). 2 submissions from 2 submitters: Pathogenic (2). Last evaluated 2024-01-29.

Conditions:
Familial cancer of breast. Also called: Hereditary breast cancer; BREAST CANCER, FAMILIAL; hereditary breast carcinoma. Identifiers: Orphanet 227535, MedGen C0346153, MONDO:0016419, OMIM 114480. Disease mechanism: loss of function.

Submissions (2):

Myriad Genetics, Inc.
Classification: Pathogenic for Familial cancer of breast. Last evaluated: 2024-01-29. Review status: criteria provided, single submitter. Criteria: Myriad Autosomal Dominant, Autosomal Recessive and X-Linked Classification Criteria (2023). Collection method: clinical testing. Allele origin: unknown.
Comment: This variant is considered pathogenic. This variant creates a frameshift predicted to result in premature protein truncation.

Liquid Biopsy and Cancer Interception Group, Pfizer-University of Granada-Junta de Andalucía Centre for Genomics and Oncological Research
Classification: Pathogenic for Familial cancer of breast. Review status: criteria provided, single submitter. Criteria: ACMG Guidelines, 2015. Collection method: clinical testing. Allele origin: germline. Affected: yes. Observed: 1 variant allele.

NM_000051.4(ATM):c.6215del (p.Gly2072fs)

Genes: ATM (ATM serine/threonine kinase; plus strand), C11orf65 (chromosome 11 open reading frame 65; minus strand). Cytogenetic location: 11q22.3.
Variant type: Deletion.
Coding change: c.6215del on transcript NM_000051.4 (MANE Select); coding-DNA position 6215, one base deleted (G; older notation c.6215delG).
Protein change: p.Gly2072fs; shifts the reading frame from glycine 2072.
Molecular consequence: frameshift variant. On other transcripts: intron variant (2).
Genome position (GRCh38, 1-based): chr11:108,317,389, G deleted; the last of 3 consecutive G bases (chr11:108,317,387-108,317,389); deleting any one gives the same sequence. VCF-style (leftmost placement, unchanged base first): chr11-108317386-TG-T. GRCh37 (hg19) VCF-style: chr11-108188113-TG-T.
Other names: c.6215del, p.Gly2072fs (NM_001351834.2); c.641-8316del (NM_001330368.2); c.*39-8316del (NM_001351110.2); short protein forms G2072fs.
Identifiers: ClinVar variation 870637 (VCV000870637.6), dbSNP rs2084775383, ClinGen allele CA1139662242.
Genomic context (GRCh38, chr11:108,317,386, plus strand): 5'-TGATATCTTTGATTACTTAACTTAAAAACAAAATAACTCCTGTTTAGGCCTTGCAGAATT[TG>T]GGACTCTGCCATATTCTTTCCGTCTATTTAAAAGGATTGGATTATGAAAATAAAGACTGG-3'